The following is an entry in ClinVar:

NM_022089.4(ATP13A2):c.2332G>A (p.Ala778Thr)

Gene: ATP13A2 (ATPase cation transporting 13A2; minus strand). Cytogenetic location: 1p36.13.
Variant type: single nucleotide variant.
Coding change: c.2332G>A on transcript NM_022089.4 (MANE Select); coding-DNA position 2332, G replaced by A.
Protein change: p.Ala778Thr; replaces alanine 778 with threonine.
Molecular consequence: missense variant.
Genome position (GRCh38, 1-based): chr1:16,990,207, C>T on the plus strand (G>A on the coding strand, the complement: ATP13A2 is on the minus strand). VCF-style: chr1-16990207-C-T. GRCh37 (hg19) VCF-style: chr1-17316702-C-T.
Other names: c.2317G>A, p.Ala773Thr (NM_001141973.3, NM_001141974.3); short protein forms A778T, A773T.
Identifiers: ClinVar variation 1378228 (VCV001378228.7), dbSNP rs748986186, ClinGen allele CA636875.

ClinVar aggregate classification (germline): Uncertain significance (1 of 4 stars; one submission).

Conditions:
Autosomal recessive spastic paraplegia type 78. Identifiers: Orphanet 513436, MedGen C5567893, MONDO:0014975, OMIM 617225.
Kufor-Rakeb syndrome (KRS). Also called: PARKINSON DISEASE 9, AUTOSOMAL RECESSIVE, JUVENILE-ONSET. Identifiers: Orphanet 306674, Orphanet 314632, MedGen C1847640, MONDO:0011706, OMIM 606693.

Allele frequency attached by ClinVar (database versions not stated): gnomAD 0.00001; gnomAD exomes 0.00001 and 0.00002; ExAC 0.00002.
gnomAD v4.1: 12 of 1,613,828 alleles (0.00074%); highest among the groups gnomAD compares: East Asian, 0.0067%; no homozygotes.

Submission:

Labcorp Genetics (formerly Invitae), Labcorp
Classification: Uncertain significance for Kufor-Rakeb syndrome; Autosomal recessive spastic paraplegia type 78. Last evaluated: 2021-08-07. Review status: criteria provided, single submitter. Criteria: Invitae Variant Classification Sherloc (09022015). Collection method: clinical testing. Allele origin: germline.
Comment: Advanced modeling of protein sequence and biophysical properties (such as structural, functional, and spatial information, amino acid conservation, physicochemical variation, residue mobility, and thermodynamic stability) performed at Invitae indicates that this missense variant is not expected to disrupt ATP13A2 protein function. In summary, the available evidence is currently insufficient to determine the role of this variant in disease. Therefore, it has been classified as a Variant of Uncertain Significance. This variant has not been reported in the literature in individuals affected with ATP13A2-related conditions. This sequence change replaces alanine with threonine at codon 778 of the ATP13A2 protein (p.Ala778Thr). The alanine residue is moderately conserved and there is a small physicochemical difference between alanine and threonine. This variant is present in population databases (rs748986186, ExAC 0.01%).